The following is an entry in ClinVar:

ClinVar aggregate classification (germline): Pathogenic (1 of 4 stars; one submission).

Conditions:
Duchenne muscular dystrophy (DMD). Also called: MUSCULAR DYSTROPHY, PSEUDOHYPERTROPHIC PROGRESSIVE, DUCHENNE TYPE; Duchenne Muscular Dystrophy (DMD). Identifiers: Orphanet 98896, MedGen C0013264, MONDO:0010679, OMIM 310200.

Submission:

Labcorp Genetics (formerly Invitae), Labcorp
Classification: Pathogenic for Duchenne muscular dystrophy. Last evaluated: 2023-06-30. Review status: criteria provided, single submitter. Criteria: Invitae Variant Classification Sherloc (09022015). Collection method: clinical testing. Allele origin: germline.
Comment: The region of the DMD gene that includes exon(s) 5-9 has been determined to be clinically significant (PMID: 12920092, 16030524, 20031633, 21520333, 24292997, 25482253, 26745801). Therefore, deletions that encompass that region are likely to be disease-causing. A similar copy number variant has been observed in individuals with DMD-related dystrophinopathies (PMID: 19937601). This variant is a gross deletion of the genomic region encompassing exon(s) 5-13 of the DMD gene. This variant would be expected to be in-frame, preserving the integrity of the reading frame. For these reasons, this variant has been classified as Pathogenic.

Literature cited by the submitters: PubMed 12920092; PubMed 16030524; PubMed 20031633; PubMed 21520333; PubMed 24292997; PubMed 25482253; PubMed 26745801; PubMed 19937601.

NC_000023.11:g.(?_32595737)_(32823850_?)del

Genes: DMD (dystrophin; minus strand), MIR548F5 (microRNA 548f-5; minus strand). Cytogenetic location: Xp21.1.
Variant type: Deletion.
Identifiers: ClinVar variation 583890 (VCV000583890.8).